The following is an entry in ClinVar:

ClinVar aggregate classification (germline): Uncertain significance (1 of 4 stars; one submission).

Conditions:
Autosomal recessive limb-girdle muscular dystrophy type 2Q (LGMDR17). Also called: MUSCULAR DYSTROPHY, LIMB-GIRDLE, AUTOSOMAL RECESSIVE 17. Identifiers: Orphanet 254361, MedGen C3150989, MONDO:0013390, OMIM 613723.

Submission:

Kariminejad - Najmabadi Pathology & Genetics Center
Classification: Uncertain significance for Autosomal recessive limb-girdle muscular dystrophy type 2Q. Last evaluated: 2023-12-20. Review status: criteria provided, single submitter. Criteria: ACMG Guidelines, 2015. Collection method: clinical testing. Allele origin: germline. Inheritance: Autosomal recessive inheritance. Affected: yes.
Comment: PM2,PM4

NM_201384.3(PLEC):c.3337_3339del (p.Lys1113del)

Gene: PLEC (plectin; minus strand). Cytogenetic location: 8q24.3.
Variant type: Deletion.
Coding change: c.3337_3339del on transcript NM_201384.3 (MANE Select); coding-DNA positions 3337 to 3339, 3 bases deleted (AAG; older notation c.3337_3339delAAG).
Protein change: p.Lys1113del; deletes lysine 1113.
Genome position (GRCh38, 1-based): chr8:143,927,914-143,927,916, CTT deleted on the plus strand (AAG on the coding strand, the reverse complement: PLEC is on the minus strand). VCF-style (leftmost placement, unchanged base first): chr8-143927913-CCTT-C. GRCh37 (hg19) VCF-style: chr8-145002081-CCTT-C.
Other names: c.3418_3420del, p.Lys1140del (NM_000445.5, NM_001410941.1); c.3295_3297del, p.Lys1099del (NM_201378.4); c.3271_3273del, p.Lys1091del (NM_201379.3); c.3748_3750del, p.Lys1250del (NM_201380.4); c.3241_3243del, p.Lys1081del (NM_201381.3); c.3337_3339del, p.Lys1113del (NM_201382.4); c.3349_3351del, p.Lys1117del (NM_201383.3); short protein forms K1081del, K1091del, K1099del, K1113del, K1117del, K1140del, K1250del.
Identifiers: ClinVar variation 3896947 (VCV003896947.1).
Genomic context (GRCh38, chr8:143,927,913, plus strand): 5'-CCTTCAGAGAGGCCTTGGTGGCCTCGAGCTCCGGGAGGGTGGCCGGCACGGCCTGGGCCT[CCTT>C]GAGCTGCTCCTCGTGGGCCCTGAGCACCTCCTCGGCCCCCTGCGTGCCGCGGATCACCAG-3'